The following is an entry in ClinVar:

ClinVar aggregate classification (germline): Likely pathogenic. Review status: criteria provided, multiple submitters, no conflicts (2 of 4 stars). 2 submissions from 2 submitters: Likely pathogenic (2). Last evaluated 2024-12-29.

Conditions:
Pontocerebellar hypoplasia type 6 (PCH6). Identifiers: Orphanet 166073, MedGen C1969084, MONDO:0012683, OMIM 611523.

Submissions (2):

Labcorp Genetics (formerly Invitae), Labcorp
Classification: Likely pathogenic. Last evaluated: 2024-12-29. Review status: criteria provided, single submitter. Criteria: Invitae Variant Classification Sherloc (09022015). Collection method: clinical testing. Allele origin: germline.
Comment: This sequence change affects a donor splice site in intron 18 of the RARS2 gene. It is expected to disrupt RNA splicing. Variants that disrupt the donor or acceptor splice site typically lead to a loss of protein function (PMID: 16199547), and loss-of-function variants in RARS2 are known to be pathogenic (PMID: 17847012, 22569581, 26083569). This variant is not present in population databases (gnomAD no frequency). This variant has not been reported in the literature in individuals affected with RARS2-related conditions. Algorithms developed to predict the effect of sequence changes on RNA splicing suggest that this variant may disrupt the consensus splice site. In summary, the currently available evidence indicates that the variant is pathogenic, but additional data are needed to prove that conclusively. Therefore, this variant has been classified as Likely Pathogenic.

Fulgent Genetics
Classification: Likely pathogenic for Pontocerebellar hypoplasia type 6. Last evaluated: 2024-03-06. Review status: criteria provided, single submitter. Criteria: ACMG Guidelines, 2015. Collection method: clinical testing. Allele origin: germline.

Literature cited by the submitters: PubMed 16199547 (cited by Labcorp Genetics (formerly Invitae), Labcorp); PubMed 17847012 (cited by Labcorp Genetics (formerly Invitae), Labcorp); PubMed 22569581 (cited by Labcorp Genetics (formerly Invitae), Labcorp); PubMed 26083569 (cited by Labcorp Genetics (formerly Invitae), Labcorp).

NM_020320.5(RARS2):c.1586+1G>T

Gene: RARS2 (arginyl-tRNA synthetase 2, mitochondrial; minus strand). Cytogenetic location: 6q15.
Variant type: single nucleotide variant.
Coding change: c.1586+1G>T on transcript NM_020320.5 (MANE Select); the canonical splice donor site of the intron after coding-DNA position 1586, G replaced by T.
Molecular consequence: splice donor variant.
Genome position (GRCh38, 1-based): chr6:87,516,805, C>A on the plus strand (G>T on the coding strand, the complement: RARS2 is on the minus strand). VCF-style: chr6-87516805-C-A. GRCh37 (hg19) VCF-style: chr6-88226523-C-A.
Other names: c.1586+1G>T (NM_001350505.2); c.1061+1G>T (NM_001350509.2, NM_001318785.2, NM_001350506.2 and 4 more transcripts).
Identifiers: ClinVar variation 3594166 (VCV003594166.3).
Genomic context (GRCh38, chr6:87,516,805, plus strand): 5'-TTAGATGAAAGAAAGGTCTCAAATGCCATTAACACCTGAAAACAGGAAGATTATAAAGTA[C>A]CTTAAAGTTAGAAGGTAACTGACGATATGCCTGGGTTGAAAGTCCTGAGATGATTTATAA-3'